The following is an entry in ClinVar:

ClinVar aggregate classification (germline): Uncertain significance (1 of 4 stars; one submission).

Conditions:
Dyskeratosis congenita, autosomal recessive 1. Identifiers: Orphanet 1775, MedGen C1857144, MONDO:0009136, OMIM 224230.

Allele frequency attached by ClinVar (database versions not stated): gnomAD exomes below 0.00001; TOPMed below 0.00001; ExAC 0.00001.

Submission:

Labcorp Genetics (formerly Invitae), Labcorp
Classification: Uncertain significance for Dyskeratosis congenita, autosomal recessive 1. Last evaluated: 2022-07-12. Review status: criteria provided, single submitter. Criteria: Invitae Variant Classification Sherloc (09022015). Collection method: clinical testing. Allele origin: germline.
Comment: This variant has not been reported in the literature in individuals affected with NOP10-related conditions. This sequence change replaces arginine, which is basic and polar, with glutamine, which is neutral and polar, at codon 43 of the NOP10 protein (p.Arg43Gln). This variant is present in population databases (rs745494123, gnomAD 0.0009%). Algorithms developed to predict the effect of missense changes on protein structure and function are either unavailable or do not agree on the potential impact of this missense change (SIFT: "Deleterious"; PolyPhen-2: "Benign"; Align-GVGD: "Class C0"). In summary, the available evidence is currently insufficient to determine the role of this variant in disease. Therefore, it has been classified as a Variant of Uncertain Significance.

NM_018648.4(NOP10):c.128G>A (p.Arg43Gln)

Gene: NOP10 (NOP10 ribonucleoprotein; minus strand). Cytogenetic location: 15q14.
Variant type: single nucleotide variant.
Coding change: c.128G>A on transcript NM_018648.4 (MANE Select); coding-DNA position 128, G replaced by A.
Protein change: p.Arg43Gln; replaces arginine 43 with glutamine.
Molecular consequence: missense variant.
Genome position (GRCh38, 1-based): chr15:34,342,035, C>T on the plus strand (G>A on the coding strand, the complement: NOP10 is on the minus strand). VCF-style: chr15-34342035-C-T. GRCh37 (hg19) VCF-style: chr15-34634236-C-T.
Other names: short protein forms R43Q.
Identifiers: ClinVar variation 1965628 (VCV001965628.5), dbSNP rs745494123, ClinGen allele CA7464772.
Genomic context (GRCh38, chr15:34,342,035, plus strand): 5'-ACAGGGCGCGGTTGCTGGGTCATGAGCACCTTGAAGCGTTTCTTGATGGTGATTCGGTGT[C>T]GAGAGTATTTGTCATCTGGGGAGAACCGAGCAGGATGGGCTGAGCAGGTCTGTTGTCCCA-3'
Protein context (NP_061118.1, residues 33-53): ARFSPDDKYS[Arg43Gln]HRITIKKRFK